The following is an entry in ClinVar:

ClinVar aggregate classification (germline): Uncertain significance (1 of 4 stars; one submission).

Conditions:
Schneckenbecken dysplasia. Identifiers: Orphanet 3144, MedGen C0432194, MONDO:0010013, OMIM 269250.

Allele frequency attached by ClinVar (database versions not stated): gnomAD exomes below 0.00001.
gnomAD v4.1: 2 of 1,613,398 alleles (0.00012%); highest among the groups gnomAD compares: Non-Finnish European, 0.00017%; no homozygotes.

Submission:

Labcorp Genetics (formerly Invitae), Labcorp
Classification: Uncertain significance for Schneckenbecken dysplasia. Last evaluated: 2018-01-13. Review status: criteria provided, single submitter. Criteria: Invitae Variant Classification Sherloc (09022015). Collection method: clinical testing. Allele origin: germline.
Comment: In summary, the available evidence is currently insufficient to determine the role of this variant in disease. Therefore, it has been classified as a Variant of Uncertain Significance. Algorithms developed to predict the effect of missense changes on protein structure and function do not agree on the potential impact of this missense change (SIFT: "Deleterious"; PolyPhen-2: "Benign"; Align-GVGD: "Class C0"). This variant has not been reported in the literature in individuals with SLC35D1-related disease. This variant is not present in population databases (ExAC no frequency). This sequence change replaces glycine with arginine at codon 14 of the SLC35D1 protein (p.Gly14Arg). The glycine residue is weakly conserved and there is a moderate physicochemical difference between glycine and arginine.

NM_015139.3(SLC35D1):c.40G>A (p.Gly14Arg)

Gene: SLC35D1 (solute carrier family 35 member D1; minus strand). Cytogenetic location: 1p31.3.
Variant type: single nucleotide variant.
Coding change: c.40G>A on transcript NM_015139.3 (MANE Select); coding-DNA position 40, G replaced by A.
Protein change: p.Gly14Arg; replaces glycine 14 with arginine.
Molecular consequence: missense variant.
Genome position (GRCh38, 1-based): chr1:67,053,974, C>T on the plus strand (G>A on the coding strand, the complement: SLC35D1 is on the minus strand). VCF-style: chr1-67053974-C-T. GRCh37 (hg19) VCF-style: chr1-67519657-C-T.
Other names: short protein forms G14R.
Identifiers: ClinVar variation 530927 (VCV000530927.9), dbSNP rs1553268935, ClinGen allele CA340708732.